The following is an entry in ClinVar:

NM_199242.3(UNC13D):c.1012C>T (p.His338Tyr)

Gene: UNC13D (unc-13 homolog D; minus strand). Cytogenetic location: 17q25.1.
Variant type: single nucleotide variant.
Coding change: c.1012C>T on transcript NM_199242.3 (MANE Select); coding-DNA position 1012, C replaced by T.
Protein change: p.His338Tyr; replaces histidine 338 with tyrosine.
Molecular consequence: missense variant.
Genome position (GRCh38, 1-based): chr17:75,839,882, G>A on the plus strand (C>T on the coding strand, the complement: UNC13D is on the minus strand). VCF-style: chr17-75839882-G-A. GRCh37 (hg19) VCF-style: chr17-73835963-G-A.
Other names: short protein forms H338Y.
Identifiers: ClinVar variation 2045069 (VCV002045069.4), dbSNP rs769409657, ClinGen allele CA8773168.
Genomic context (GRCh38, chr17:75,839,882, plus strand): 5'-CAGGGCTGTGTACTCACGCCATGGACTGGTGGAAGTCGGATAGGTCCTTCTGTGTGGCGT[G>A]CAGAAAGAGGACGGTGGCAGCCTGGGGACTCAGCGACCCGTCCCAGGAGGTGCTTCCCGC-3'
Protein context (NP_954712.1, residues 328-348): SPQAATVLFL[His338Tyr]ATQKDLSDFH

ClinVar aggregate classification (germline): Uncertain significance (1 of 4 stars; one submission).

Conditions:
Familial hemophagocytic lymphohistiocytosis 3 (FHL3). Also called: UNC13D-Related Familial Hemophagocytic Lymphohistiocytosis (UNC13D-fHLH). Identifiers: Orphanet 540, MedGen C1837174, MONDO:0012146, OMIM 608898.

Allele frequency attached by ClinVar (database versions not stated): TOPMed below 0.00001.
gnomAD v4.1: 26 of 1,613,954 alleles (0.0016%); highest among the groups gnomAD compares: Non-Finnish European, 0.0022%; no homozygotes.

Submission:

Labcorp Genetics (formerly Invitae), Labcorp
Classification: Uncertain significance for Familial hemophagocytic lymphohistiocytosis 3. Last evaluated: 2023-10-03. Review status: criteria provided, single submitter. Criteria: Invitae Variant Classification Sherloc (09022015). Collection method: clinical testing. Allele origin: germline.
Comment: This sequence change replaces histidine, which is basic and polar, with tyrosine, which is neutral and polar, at codon 338 of the UNC13D protein (p.His338Tyr). This variant is present in population databases (rs769409657, gnomAD 0.0009%). This variant has not been reported in the literature in individuals affected with UNC13D-related conditions. ClinVar contains an entry for this variant (Variation ID: 2045069). Advanced modeling of protein sequence and biophysical properties (such as structural, functional, and spatial information, amino acid conservation, physicochemical variation, residue mobility, and thermodynamic stability) performed at Invitae indicates that this missense variant is not expected to disrupt UNC13D protein function. In summary, the available evidence is currently insufficient to determine the role of this variant in disease. Therefore, it has been classified as a Variant of Uncertain Significance.